The following is an entry in ClinVar:

ClinVar aggregate classification (germline): Uncertain significance (1 of 4 stars; one submission).

Conditions:
Familial cold autoinflammatory syndrome 2 (FCAS2). Identifiers: Orphanet 247868, MedGen C2673198, MONDO:0012724, OMIM 611762.

Submission:

Labcorp Genetics (formerly Invitae), Labcorp
Classification: Uncertain significance for Familial cold autoinflammatory syndrome 2. Last evaluated: 2023-08-31. Review status: criteria provided, single submitter. Criteria: Invitae Variant Classification Sherloc (09022015). Collection method: clinical testing. Allele origin: germline.
Comment: In summary, the available evidence is currently insufficient to determine the role of this variant in disease. Therefore, it has been classified as a Variant of Uncertain Significance. This variant is a gross deletion of the genomic region encompassing exon(s) 1 of the NLRP12 gene, which includes the initiator codon. This deletion extends beyond the assayed region for this gene and therefore may encompass additional genes. It is expected to result in an absent or disrupted protein product. However, the current clinical and genetic evidence is not sufficient to establish whether loss-of-function variants in NLRP12 cause disease. This variant has not been reported in the literature in individuals affected with NLRP12-related conditions.

NC_000019.9:g.(?_54327120)_(54327428_?)del

Gene: NLRP12 (NLR family pyrin domain containing 12; minus strand). Cytogenetic location: 19q13.42.
Variant type: Deletion.
Identifiers: ClinVar variation 1412740 (VCV001412740.5).